The following is an entry in ClinVar:

NM_001080442.3(SLC38A8):c.805+2T>C

Gene: SLC38A8 (solute carrier family 38 member 8; minus strand). Cytogenetic location: 16q23.3.
Variant type: single nucleotide variant.
Coding change: c.805+2T>C on transcript NM_001080442.3 (MANE Select); the canonical splice donor site of the intron after coding-DNA position 805, T replaced by C.
Molecular consequence: splice donor variant.
Genome position (GRCh38, 1-based): chr16:84,022,773, A>G on the plus strand (T>C on the coding strand, the complement: SLC38A8 is on the minus strand). VCF-style: chr16-84022773-A-G. GRCh37 (hg19) VCF-style: chr16-84056378-A-G.
Identifiers: ClinVar variation 2822697 (VCV002822697.3), dbSNP rs2507631270, ClinGen allele CA396934755.

ClinVar aggregate classification (germline): Likely pathogenic (1 of 4 stars; one submission).

Submission:

Labcorp Genetics (formerly Invitae), Labcorp
Classification: Likely pathogenic. Last evaluated: 2023-06-17. Review status: criteria provided, single submitter. Criteria: Invitae Variant Classification Sherloc (09022015). Collection method: clinical testing. Allele origin: germline.
Comment: In summary, the currently available evidence indicates that the variant is pathogenic, but additional data are needed to prove that conclusively. Therefore, this variant has been classified as Likely Pathogenic. Algorithms developed to predict the effect of sequence changes on RNA splicing suggest that this variant may disrupt the consensus splice site. This variant has not been reported in the literature in individuals affected with SLC38A8-related conditions. This variant is not present in population databases (gnomAD no frequency). This sequence change affects a donor splice site in intron 6 of the SLC38A8 gene. It is expected to disrupt RNA splicing. Variants that disrupt the donor or acceptor splice site typically lead to a loss of protein function (PMID: 16199547), and loss-of-function variants in SLC38A8 are known to be pathogenic (PMID: 24290379).

Literature cited by the submitters: PubMed 16199547; PubMed 24290379.